The following is an entry in ClinVar:

ClinVar aggregate classification (germline): Uncertain significance (1 of 4 stars; one submission).

Submission:

GeneDx
Classification: Uncertain significance. Last evaluated: 2021-04-08. Review status: criteria provided, single submitter. Criteria: GeneDx Variant Classification Process June 2021. Collection method: clinical testing. Allele origin: germline. Affected: yes.
Comment: Not observed in large population cohorts (Lek et al., 2016); In silico analysis supports that this missense variant does not alter protein structure/function; Has not been previously published as pathogenic or benign to our knowledge

NM_173354.5(SIK1):c.2191C>A (p.His731Asn)

Gene: SIK1 (salt inducible kinase 1; minus strand). Cytogenetic location: 21q22.3.
Variant type: single nucleotide variant.
Coding change: c.2191C>A on transcript NM_173354.5 (MANE Select); coding-DNA position 2191, C replaced by A.
Protein change: p.His731Asn; replaces histidine 731 with asparagine.
Molecular consequence: missense variant.
Genome position (GRCh38, 1-based): chr21:43,416,903, G>T on the plus strand (C>A on the coding strand, the complement: SIK1 is on the minus strand). VCF-style: chr21-43416903-G-T. GRCh37 (hg19) VCF-style: chr21-44836783-G-T.
Other names: short protein forms H731N.
Identifiers: ClinVar variation 450218 (VCV000450218.3), dbSNP rs1555890879, ClinGen allele CA410606481.